The following is an entry in ClinVar:

NM_004168.4(SDHA):c.1117C>A (p.Pro373Thr)

Gene: SDHA (succinate dehydrogenase complex flavoprotein subunit A; plus strand). Cytogenetic location: 5p15.33.
Variant type: single nucleotide variant.
Coding change: c.1117C>A on transcript NM_004168.4 (MANE Select); coding-DNA position 1117, C replaced by A.
Protein change: p.Pro373Thr; replaces proline 373 with threonine.
Molecular consequence: missense variant.
Genome position (GRCh38, 1-based): chr5:235,196, C>A. VCF-style: chr5-235196-C-A. GRCh37 (hg19) VCF-style: chr5-235311-C-A.
Other names: c.973C>A, p.Pro325Thr (NM_001294332.2); c.1117C>A, p.Pro373Thr (NM_001330758.2); short protein forms P373T, P325T.
Identifiers: ClinVar variation 2587073 (VCV002587073.2), dbSNP rs1289573477, ClinGen allele CA359013489.
Genomic context (GRCh38, chr5:235,196, plus strand): 5'-CTTACCAGAGGCTGTGGCCCTGAGAAAGATCACGTCTACCTGCAGCTGCACCACCTACCT[C>A]CAGAGCAGCTGGCCACGCGCCTGCCTGGCATTTCAGAGACAGCCATGATCTTCGCTGGCG-3'
Protein context (NP_004159.2, residues 363-383): HVYLQLHHLP[Pro373Thr]EQLATRLPGI

ClinVar aggregate classification (germline): Uncertain significance (1 of 4 stars; one submission).

Conditions:
Hereditary cancer-predisposing syndrome. Also called: Tumor predisposition; Hereditary Cancer Syndrome; Hereditary neoplastic syndrome; Neoplastic Syndromes, Hereditary. Identifiers: Orphanet 140162, MedGen C0027672, MeSH D009386, MONDO:0015356.

Submission:

Ambry Genetics
Classification: Uncertain significance for Hereditary cancer-predisposing syndrome. Last evaluated: 2023-07-06. Review status: criteria provided, single submitter. Criteria: Ambry Variant Classification Scheme 2023. Collection method: clinical testing. Allele origin: germline.
Comment: The p.P373T variant (also known as c.1117C>A), located in coding exon 9 of the SDHA gene, results from a C to A substitution at nucleotide position 1117. The proline at codon 373 is replaced by threonine, an amino acid with highly similar properties. This amino acid position is conserved. In addition, the in silico prediction for this alteration is inconclusive. Since supporting evidence is limited at this time, the clinical significance of this alteration remains unclear.